The following is an entry in ClinVar:

ClinVar aggregate classification (germline): Uncertain significance (1 of 4 stars; one submission).

Conditions:
Granulomatous disease, chronic, X-linked. Also called: GRANULOMATOUS DISEASE, CHRONIC, X-LINKED, SOMATIC MOSAIC; CYTOCHROME b-NEGATIVE GRANULOMATOUS DISEASE, CHRONIC, X-LINKED. Identifiers: Orphanet 379, MedGen C1844376, MONDO:0010600, OMIM 306400.

Submission:

Labcorp Genetics (formerly Invitae), Labcorp
Classification: Uncertain significance for Granulomatous disease, chronic, X-linked. Last evaluated: 2023-05-08. Review status: criteria provided, single submitter. Criteria: Invitae Variant Classification Sherloc (09022015). Collection method: clinical testing. Allele origin: germline.
Comment: In summary, the available evidence is currently insufficient to determine the role of this variant in disease. Therefore, it has been classified as a Variant of Uncertain Significance. Advanced modeling of protein sequence and biophysical properties (such as structural, functional, and spatial information, amino acid conservation, physicochemical variation, residue mobility, and thermodynamic stability) performed at Invitae indicates that this missense variant is not expected to disrupt CYBB protein function. ClinVar contains an entry for this variant (Variation ID: 2040251). This variant has not been reported in the literature in individuals affected with CYBB-related conditions. This variant is not present in population databases (gnomAD no frequency). This sequence change replaces isoleucine, which is neutral and non-polar, with threonine, which is neutral and polar, at codon 217 of the CYBB protein (p.Ile217Thr).

NM_000397.4(CYBB):c.650T>C (p.Ile217Thr)

Gene: CYBB (cytochrome b-245 beta chain; plus strand). Cytogenetic location: Xp21.1.
Variant type: single nucleotide variant.
Coding change: c.650T>C on transcript NM_000397.4 (MANE Select); coding-DNA position 650, T replaced by C.
Protein change: p.Ile217Thr; replaces isoleucine 217 with threonine.
Molecular consequence: missense variant.
Genome position (GRCh38, 1-based): chrX:37,796,117, T>C. VCF-style: chrX-37796117-T-C. GRCh37 (hg19) VCF-style: chrX-37655370-T-C.
Other names: short protein forms I217T.
Identifiers: ClinVar variation 2040251 (VCV002040251.4), dbSNP rs2146811839, ClinGen allele CA412976412.
Genomic context (GRCh38, chrX:37,796,117, plus strand): 5'-TCCGGAGGTCTTACTTTGAAGTCTTTTGGTACACACATCATCTCTTTGTGATCTTCTTCA[T>C]TGGCCTTGCCATCCATGGAGCTGAGTGAGTGTTTAAATTCTGAAGTGAAGGATTTCATGT-3'
Protein context (NP_000388.2, residues 207-227): YTHHLFVIFF[Ile217Thr]GLAIHGAERI